The following is an entry in ClinVar:

ClinVar aggregate classification (germline): Pathogenic. Review status: criteria provided, multiple submitters, no conflicts (2 of 4 stars). 2 submissions from 2 submitters: Pathogenic (2). Last evaluated 2024-02-27.

Conditions:
RPGR-related disorder. Also called: RPGR-related condition.

Submissions (2):

GeneDx
Classification: Pathogenic. Last evaluated: 2024-02-27. Review status: criteria provided, single submitter. Criteria: GeneDx Variant Classification Process June 2021. Collection method: clinical testing. Allele origin: germline. Affected: yes.
Comment: Reported in a large cohort of individuals with inherited retinal dystrophy, but detailed clinical information is not provided (PMID: 34985506); Frameshift variant predicted to result in protein truncation or nonsense mediated decay in a gene for which loss of function is a known mechanism of disease; Not observed at significant frequency in large population cohorts (gnomAD); This variant is associated with the following publications: (PMID: 34985506)

Blueprint Genetics
Classification: Pathogenic for RPGR-related disorders. Last evaluated: 2018-09-20. Review status: criteria provided, single submitter. Criteria: ACMG Guidelines, 2015. Collection method: clinical testing. Allele origin: germline. Affected: yes. Observed: 2 variant alleles.

NM_001034853.2(RPGR):c.382_383del (p.Asn128fs)

Gene: RPGR (retinitis pigmentosa GTPase regulator; minus strand). Cytogenetic location: Xp11.4.
Variant type: Deletion.
Coding change: c.382_383del on transcript NM_001034853.2 (MANE Select); coding-DNA positions 382 to 383, 2 bases deleted (AA; older notation c.382_383delAA).
Protein change: p.Asn128fs; shifts the reading frame from asparagine 128.
Molecular consequence: frameshift variant. On other transcripts: non-coding transcript variant (6).
Genome position (GRCh38, 1-based): chrX:38,318,915-38,318,916, TT deleted on the plus strand (AA on the coding strand, the reverse complement: RPGR is on the minus strand); deleting any 2 consecutive bases within chrX:38,318,915-38,318,917 gives the same sequence; the c. name uses the placement nearest the transcript's 3' end. VCF-style (leftmost placement, unchanged base first): chrX-38318914-GTT-G. GRCh37 (hg19) VCF-style: chrX-38178167-GTT-G.
Other names: c.382_383del, p.Asn128fs (NM_000328.3, NM_001367245.1, NM_001367246.1 and 3 more transcripts); c.412_413del, p.Asn138fs (NM_001367248.1); c.379_380del, p.Asn127fs (NM_001367249.1); short protein forms N127fs, N128fs, N138fs.
Identifiers: ClinVar variation 866998 (VCV000866998.3), dbSNP rs2067877357, ClinGen allele CA916083923.